The following is an entry in ClinVar:

NM_001849.4(COL6A2):c.1012C>T (p.Arg338Cys)

Gene: COL6A2 (collagen type VI alpha 2 chain; plus strand). Cytogenetic location: 21q22.3.
Variant type: single nucleotide variant.
Coding change: c.1012C>T on transcript NM_001849.4 (MANE Select); coding-DNA position 1012, C replaced by T.
Protein change: p.Arg338Cys; replaces arginine 338 with cysteine.
Molecular consequence: missense variant.
Genome position (GRCh38, 1-based): chr21:46,117,412, C>T. VCF-style: chr21-46117412-C-T. GRCh37 (hg19) VCF-style: chr21-47537326-C-T.
Other names: c.1012C>T, p.Arg338Cys (NM_058174.3, NM_058175.3); short protein forms R338C.
Identifiers: ClinVar variation 285711 (VCV000285711.19), dbSNP rs775751831, ClinGen allele CA10071631.

ClinVar aggregate classification (germline): Conflicting classifications of pathogenicity. Review status: criteria provided, conflicting classifications (1 of 4 stars). 5 submissions from 5 submitters: Uncertain significance (4); Likely benign (1). Last evaluated 2025-10-27.

Conditions:
Inborn genetic diseases. Identifiers: MedGen C0950123, MeSH D030342.
Bethlem myopathy 1A. Also called: Bethlem Muscular Dystrophy; MYOPATHY, BENIGN CONGENITAL, WITH CONTRACTURES; Bethlem myopathy 1. Identifiers: Orphanet 610, MedGen CN029274, MONDO:0024530, OMIM 158810.

Allele frequency attached by ClinVar (database versions not stated): gnomAD exomes 0.00014 and 0.00008; ExAC 0.00017; gnomAD 0.00001 and 0.00003; TOPMed 0.00004.
gnomAD v4.1: 130 of 1,612,676 alleles (0.0081%); highest among the groups gnomAD compares: South Asian, 0.078%; no homozygotes.

Submissions (5):

Labcorp Genetics (formerly Invitae), Labcorp
Classification: Likely benign for Bethlem myopathy 1A. Last evaluated: 2025-10-27. Review status: criteria provided, single submitter. Criteria: Invitae Variant Classification Sherloc (09022015). Collection method: clinical testing. Allele origin: germline.

Revvity Omics, Revvity
Classification: Uncertain significance. Last evaluated: 2024-06-14. Review status: criteria provided, single submitter. Criteria: ACMG Guidelines, 2015. Collection method: clinical testing. Allele origin: germline.

GeneDx
Classification: Uncertain significance. Last evaluated: 2023-11-04. Review status: criteria provided, single submitter. Criteria: GeneDx Variant Classification Process June 2021. Collection method: clinical testing. Allele origin: germline. Affected: yes.
Comment: Reported in a patient with muscular dystrophy in the published literature (PMID: 34925456); In silico analysis supports that this missense variant has a deleterious effect on protein structure/function; This variant is associated with the following publications: (PMID: 34925456)

Ambry Genetics
Classification: Uncertain significance for Inborn genetic diseases. Last evaluated: 2021-09-15. Review status: criteria provided, single submitter. Criteria: Ambry Variant Classification Scheme 2023. Collection method: clinical testing. Allele origin: germline.

Eurofins Ntd Llc (ga)
Classification: Uncertain significance. Last evaluated: 2018-05-10. Review status: criteria provided, single submitter. Criteria: EGL ClinVar v180209 classification definitions. Collection method: clinical testing. Allele origin: germline. Observed: 2 variant alleles, 2 heterozygotes.